The following is an entry in ClinVar:

ClinVar aggregate classification (germline): Uncertain significance (1 of 4 stars; one submission).

Conditions:
Brugada syndrome. Also called: Sudden unexpected nocturnal death syndrome; Sudden Unexplained Death Syndrome; Sudden Unexplained Nocturnal Death Syndrome (SUNDS); Sudden unexplained nocturnal death syndrome. Identifiers: Orphanet 130, MedGen C1142166, MONDO:0015263.

Allele frequency attached by ClinVar (database versions not stated): gnomAD exomes below 0.00001; gnomAD 0.00001; TOPMed 0.00001.
gnomAD v4.1: 2 of 1,611,960 alleles (0.00012%); highest among the groups gnomAD compares: Non-Finnish European, 0.00017%; no homozygotes.

Submission:

Labcorp Genetics (formerly Invitae), Labcorp
Classification: Uncertain significance for Brugada syndrome. Last evaluated: 2023-04-24. Review status: criteria provided, single submitter. Criteria: Invitae Variant Classification Sherloc (09022015). Collection method: clinical testing. Allele origin: germline.
Comment: An algorithm developed to predict the effect of missense changes on protein structure and function (PolyPhen-2) suggests that this variant is likely to be tolerated. ClinVar contains an entry for this variant (Variation ID: 1407815). This variant has not been reported in the literature in individuals affected with CACNA2D1-related conditions. This variant is present in population databases (no rsID available, gnomAD 0.0009%). This sequence change replaces serine, which is neutral and polar, with asparagine, which is neutral and polar, at codon 869 of the CACNA2D1 protein (p.Ser869Asn). In summary, the available evidence is currently insufficient to determine the role of this variant in disease. Therefore, it has been classified as a Variant of Uncertain Significance.

NM_000722.4(CACNA2D1):c.2606G>A (p.Ser869Asn)

Gene: CACNA2D1 (calcium voltage-gated channel auxiliary subunit alpha2delta 1; minus strand). Cytogenetic location: 7q21.11.
Variant type: single nucleotide variant.
Coding change: c.2606G>A on transcript NM_000722.4 (MANE Select); coding-DNA position 2606, G replaced by A.
Protein change: p.Ser869Asn; replaces serine 869 with asparagine.
Molecular consequence: missense variant.
Genome position (GRCh38, 1-based): chr7:81,964,328, C>T on the plus strand (G>A on the coding strand, the complement: CACNA2D1 is on the minus strand). VCF-style: chr7-81964328-C-T. GRCh37 (hg19) VCF-style: chr7-81593644-C-T.
Other names: c.2642G>A, p.Ser881Asn (NM_001366867.1); short protein forms S881N, S869N.
Identifiers: ClinVar variation 1407815 (VCV001407815.6), dbSNP rs1379942443, ClinGen allele CA367885676.